The following is an entry in ClinVar:

ClinVar aggregate classification (germline): Uncertain significance (1 of 4 stars; one submission).

Conditions:
Autosomal recessive limb-girdle muscular dystrophy type 2A (LGMDR1). Also called: LEYDEN-MOEBIUS MUSCULAR DYSTROPHY; MUSCULAR DYSTROPHY, PELVOFEMORAL; Limb-girdle muscular dystrophy, type 2A; Calpainopathy; Muscular dystrophy, limb-girdle, type 2A, Amish. Identifiers: Orphanet 267, MedGen C1869123, MONDO:0009675, OMIM 253600. Disease mechanism: loss of function.

Submission:

Labcorp Genetics (formerly Invitae), Labcorp
Classification: Uncertain significance for Limb-girdle muscular dystrophy, type 2A. Last evaluated: 2019-11-20. Review status: criteria provided, single submitter. Criteria: Invitae Variant Classification Sherloc (09022015). Collection method: clinical testing. Allele origin: germline.
Comment: This sequence change replaces aspartic acid with histidine at codon 230 of the CAPN3 protein (p.Asp230His). The aspartic acid residue is highly conserved and there is a moderate physicochemical difference between aspartic acid and histidine. This variant is not present in population databases (ExAC no frequency). This variant has not been reported in the literature in individuals with CAPN3-related conditions. Algorithms developed to predict the effect of missense changes on protein structure and function are either unavailable or do not agree on the potential impact of this missense change (SIFT: "Deleterious"; PolyPhen-2: "Probably Damaging"; Align-GVGD: "Class C0"). In summary, the available evidence is currently insufficient to determine the role of this variant in disease. Therefore, it has been classified as a Variant of Uncertain Significance.

NM_000070.3(CAPN3):c.688G>C (p.Asp230His)

Gene: CAPN3 (calpain 3; plus strand). Cytogenetic location: 15q15.1.
Variant type: single nucleotide variant.
Coding change: c.688G>C on transcript NM_000070.3 (MANE Select); coding-DNA position 688, G replaced by C.
Protein change: p.Asp230His; replaces aspartic acid 230 with histidine.
Molecular consequence: missense variant.
Genome position (GRCh38, 1-based): chr15:42,388,983, G>C. VCF-style: chr15-42388983-G-C. GRCh37 (hg19) VCF-style: chr15-42681181-G-C.
Other names: c.688G>C, p.Asp230His (NM_024344.2, NM_173087.2); short protein forms D230H.
Identifiers: ClinVar variation 835867 (VCV000835867.1), dbSNP rs2053479765, ClinGen allele CA391998163.